The following is an entry in ClinVar:

ClinVar aggregate classification (germline): Uncertain significance. Review status: criteria provided, multiple submitters, no conflicts (2 of 4 stars). 4 submissions from 4 submitters: Uncertain significance (4). Last evaluated 2025-12-13.

Conditions:
Myoclonic dystonia 11 (DYT11). Also called: Dystonia, alcohol responsive; Hereditary essential myoclonus; SGCE Myoclonus-Dystonia; Myoclonus-Dystonia; DYT-SGCE; Myoclonic dystonia. Identifiers: Orphanet 36899, MedGen C1834570, MONDO:0008044, OMIM 159900.

Allele frequency attached by ClinVar (database versions not stated): ExAC 0.00002; gnomAD 0.00002; TOPMed 0.00002; gnomAD exomes 0.00003.
gnomAD v4.1: 43 of 1,612,076 alleles (0.0027%); highest among the groups gnomAD compares: Admixed American, 0.0067%; no homozygotes.

Submissions (4):

Labcorp Genetics (formerly Invitae), Labcorp
Classification: Uncertain significance for Myoclonic dystonia 11. Last evaluated: 2025-12-13. Review status: criteria provided, single submitter. Criteria: Invitae Variant Classification Sherloc (09022015). Collection method: clinical testing. Allele origin: germline.
Comment: This sequence change replaces arginine, which is basic and polar, with tryptophan, which is neutral and slightly polar, at codon 343 of the SGCE protein (p.Arg343Trp). This variant is present in population databases (rs757796461, gnomAD 0.007%). This missense change has been observed in individual(s) with isolated cervical dystonia (PMID: 38845987). ClinVar contains an entry for this variant (Variation ID: 951224). Invitae Evidence Modeling of protein sequence and biophysical properties (such as structural, functional, and spatial information, amino acid conservation, physicochemical variation, residue mobility, and thermodynamic stability) indicates that this missense variant is expected to disrupt SGCE protein function with a positive predictive value of 80%. In summary, the available evidence is currently insufficient to determine the role of this variant in disease. Therefore, it has been classified as a Variant of Uncertain Significance.

Revvity Omics, Revvity
Classification: Uncertain significance for Myoclonic dystonia 11. Last evaluated: 2024-07-03. Review status: criteria provided, single submitter. Criteria: ACMG Guidelines, 2015. Collection method: clinical testing. Allele origin: germline.

GeneDx
Classification: Uncertain significance. Last evaluated: 2023-06-16. Review status: criteria provided, single submitter. Criteria: GeneDx Variant Classification Process June 2021. Collection method: clinical testing. Allele origin: germline. Affected: yes.
Comment: In silico analysis supports that this missense variant has a deleterious effect on protein structure/function; Has not been previously reported as pathogenic or benign in association with dystonia to our knowledge; This variant is associated with the following publications: (PMID: 27694994)

Department of Neurology, Xijing Hospital, Fourth Military Medical University
Classification: Uncertain significance for Myoclonic dystonia 11. Last evaluated: 2022-03-01. Review status: criteria provided, single submitter. Criteria: ACMG Guidelines, 2015. Collection method: clinical testing. Allele origin: germline.

Literature cited by the submitters: PubMed 38845987 (cited by Labcorp Genetics (formerly Invitae), Labcorp).

NM_003919.3(SGCE):c.1027C>T (p.Arg343Trp)

Genes: CASD1 (CAS1 domain sialic acid O acetyltransferase 1; plus strand), SGCE (sarcoglycan epsilon; minus strand). Cytogenetic location: 7q21.3.
Variant type: single nucleotide variant.
Coding change: c.1027C>T on transcript NM_003919.3 (MANE Select); coding-DNA position 1027, C replaced by T.
Protein change: p.Arg343Trp; replaces arginine 343 with tryptophan.
Molecular consequence: missense variant.
Genome position (GRCh38, 1-based): chr7:94,600,656, G>A on the plus strand (C>T on the coding strand, the complement: SGCE is on the minus strand). VCF-style: chr7-94600656-G-A. GRCh37 (hg19) VCF-style: chr7-94229968-G-A.
Other names: c.1027C>T, p.Arg343Trp (NM_001099400.2, NM_001099401.2, NM_001346717.2); c.904C>T, p.Arg302Trp (NM_001301139.2, NM_001362809.2); c.1135C>T, p.Arg379Trp (NM_001346713.2, NM_001346715.2); c.940C>T, p.Arg314Trp (NM_001346719.2, NM_001362807.2); c.754C>T, p.Arg252Trp (NM_001346720.2, NM_001362808.2); short protein forms R343W, R379W, R252W, R302W, R314W.
Identifiers: ClinVar variation 951224 (VCV000951224.24), dbSNP rs757796461, ClinGen allele CA4348673.